The following is an entry in ClinVar:

NM_002354.3(EPCAM):c.155G>A (p.Gly52Asp)

Gene: EPCAM (epithelial cell adhesion molecule; plus strand). Cytogenetic location: 2p21.
Variant type: single nucleotide variant.
Coding change: c.155G>A on transcript NM_002354.3 (MANE Select); coding-DNA position 155, G replaced by A.
Protein change: p.Gly52Asp; replaces glycine 52 with aspartic acid.
Molecular consequence: missense variant.
Genome position (GRCh38, 1-based): chr2:47,373,541, G>A. VCF-style: chr2-47373541-G-A. GRCh37 (hg19) VCF-style: chr2-47600680-G-A.
Other names: short protein forms G52D.
Identifiers: ClinVar variation 4018582 (VCV004018582.1).

ClinVar aggregate classification (germline): Uncertain significance (1 of 4 stars; one submission).

Conditions:
Hereditary cancer-predisposing syndrome. Also called: Tumor predisposition; Hereditary neoplastic syndrome; Neoplastic Syndromes, Hereditary; Hereditary Cancer Syndrome. Identifiers: Orphanet 140162, MedGen C0027672, MeSH D009386, MONDO:0015356.

gnomAD v4.1: 1 of 1,613,350 alleles (0.000062%); highest among the groups gnomAD compares: East Asian, 0.0022%; no homozygotes.

Submission:

Ambry Genetics
Classification: Uncertain significance for Hereditary cancer-predisposing syndrome. Last evaluated: 2025-05-31. Review status: criteria provided, single submitter. Criteria: Ambry Variant Classification Scheme 2023. Collection method: clinical testing. Allele origin: germline.
Comment: The p.G52D variant (also known as c.155G>A), located in coding exon 2 of the EPCAM gene, results from a G to A substitution at nucleotide position 155. The glycine at codon 52 is replaced by aspartic acid, an amino acid with similar properties. This amino acid position is conserved. In addition, the in silico prediction for this alteration is inconclusive. Based on the available evidence, the clinical significance of this variant remains unclear.